The following is an entry in ClinVar:

NM_001128840.3(CACNA1D):c.454G>T (p.Asp152Tyr)

Gene: CACNA1D (calcium voltage-gated channel subunit alpha1 D; plus strand). Cytogenetic location: 3p21.1.
Variant type: single nucleotide variant.
Coding change: c.454G>T on transcript NM_001128840.3 (MANE Select); coding-DNA position 454, G replaced by T.
Protein change: p.Asp152Tyr; replaces aspartic acid 152 with tyrosine.
Molecular consequence: missense variant.
Genome position (GRCh38, 1-based): chr3:53,501,691, G>T. VCF-style: chr3-53501691-G-T. GRCh37 (hg19) VCF-style: chr3-53535718-G-T.
Other names: c.454G>T, p.Asp152Tyr (NM_000720.4, NM_001128839.3); short protein forms D152Y.
Identifiers: ClinVar variation 3393623 (VCV003393623.1).

ClinVar aggregate classification (germline): Uncertain significance (1 of 4 stars; one submission).

Submission:

GeneDx
Classification: Uncertain significance. Last evaluated: 2024-07-01. Review status: criteria provided, single submitter. Criteria: GeneDx Variant Classification Process June 2021. Collection method: clinical testing. Allele origin: germline. Affected: yes.
Comment: Not observed at significant frequency in large population cohorts (gnomAD); In silico analysis supports that this missense variant has a deleterious effect on protein structure/function; Has not been previously published as pathogenic or benign to our knowledge